The following is an entry in ClinVar:

NM_001376.5(DYNC1H1):c.11461-6T>C

Gene: DYNC1H1 (dynein cytoplasmic 1 heavy chain 1; plus strand). Cytogenetic location: 14q32.31.
Variant type: single nucleotide variant.
Coding change: c.11461-6T>C on transcript NM_001376.5 (MANE Select); 6 bases into the intron before coding-DNA position 11461, T replaced by C.
Molecular consequence: intron variant.
Genome position (GRCh38, 1-based): chr14:102,039,406, T>C. VCF-style: chr14-102039406-T-C. GRCh37 (hg19) VCF-style: chr14-102505743-T-C.
Identifiers: ClinVar variation 2631287 (VCV002631287.2), dbSNP rs868383348, ClinGen allele CA266974641.

ClinVar aggregate classification (germline): Uncertain significance (0 of 4 stars; one submission).

Conditions:
DYNC1H1-related disorder. Also called: DYNC1H1-related condition; DYNC1H1-related disorders. Identifiers: MedGen CN381529.

Submission:

PreventionGenetics, part of Exact Sciences
Classification: Uncertain significance for DYNC1H1-related condition. Last evaluated: 2024-07-31. Review status: no assertion criteria provided. Collection method: clinical testing. Allele origin: germline.
Comment: The DYNC1H1 c.11461-6T>C variant is predicted to interfere with splicing. To our knowledge, this variant has not been reported in the literature or in a large population database, indicating this variant is rare. At this time, the clinical significance of this variant is uncertain due to the absence of conclusive functional and genetic evidence.